The following is an entry in ClinVar:

ClinVar aggregate classification (germline): Pathogenic (1 of 4 stars; one submission).

Conditions:
Chuvash polycythemia. Also called: POLYCYTHEMIA, VHL-DEPENDENT. Identifiers: Orphanet 238557, MedGen C1837915, MONDO:0009892, OMIM 263400.
Von Hippel-Lindau syndrome (VHLS). Also called: Von Hippel-Lindau; von Hippel–Lindau syndrome; VHL syndrome. Identifiers: Orphanet 892, MedGen C0019562, MONDO:0008667, OMIM 193300. Disease mechanism: loss of function.

Submission:

Labcorp Genetics (formerly Invitae), Labcorp
Classification: Pathogenic for Von Hippel-Lindau syndrome; Chuvash polycythemia. Last evaluated: 2016-10-22. Review status: criteria provided, single submitter. Criteria: Invitae Variant Classification Sherloc (09022015). Collection method: clinical testing. Allele origin: germline.
Comment: A gross deletion of the genomic region encompassing the full coding sequence of the VHL gene has been identified. The boundaries of this event are unknown as the deletion extends beyond the assayed region for this gene and therefore may encompass additional genes. Deletions of the entire VHL gene have been reported in multiple individuals and families with von Hippel-Lindau disease (PMID: 10830910, 10567493, 8634692, 17537157, 20567917). For these reasons, this variant has been classified as Pathogenic.

NC_000003.12:g.(?_10141635)_(10153670_?)del

Genes: VHL (von Hippel-Lindau tumor suppressor; plus strand), LOC107303340 (3p25 von Hippel-Lindau tumor suppressor, E3 ubiquitin protein ligase Alu-mediated recombination region; plus strand). Cytogenetic location: 3p25.3.
Variant type: Deletion.
Identifiers: ClinVar variation 417800 (VCV000417800.1).